The following is an entry in ClinVar:

ClinVar aggregate classification (germline): Uncertain significance (1 of 4 stars; one submission).

Conditions:
Inborn genetic diseases. Identifiers: MedGen C0950123, MeSH D030342.

Submission:

Ambry Genetics
Classification: Uncertain significance for Inborn genetic diseases. Last evaluated: 2023-12-10. Review status: criteria provided, single submitter. Criteria: Ambry Variant Classification Scheme 2023. Collection method: clinical testing. Allele origin: germline.
Comment: The p.Q313R variant (also known as c.938A>G), located in coding exon 4 of the LTBP3 gene, results from an A to G substitution at nucleotide position 938. The glutamine at codon 313 is replaced by arginine, an amino acid with highly similar properties. This amino acid position is conserved. In addition, the in silico prediction for this alteration is inconclusive. Since supporting evidence is limited at this time, the clinical significance of this alteration remains unclear.

NM_001130144.3(LTBP3):c.938A>G (p.Gln313Arg)

Gene: LTBP3 (latent transforming growth factor beta binding protein 3; minus strand). Cytogenetic location: 11q13.1.
Variant type: single nucleotide variant.
Coding change: c.938A>G on transcript NM_001130144.3 (MANE Select); coding-DNA position 938, A replaced by G.
Protein change: p.Gln313Arg; replaces glutamine 313 with arginine.
Molecular consequence: missense variant.
Genome position (GRCh38, 1-based): chr11:65,553,457, T>C on the plus strand (A>G on the coding strand, the complement: LTBP3 is on the minus strand). VCF-style: chr11-65553457-T-C. GRCh37 (hg19) VCF-style: chr11-65320928-T-C.
Other names: c.587A>G, p.Gln196Arg (NM_001164266.1); c.938A>G, p.Gln313Arg (NM_021070.4); short protein forms Q196R, Q313R.
Identifiers: ClinVar variation 3233192 (VCV003233192.1), dbSNP rs2496174254, ClinGen allele CA381275156.
Genomic context (GRCh38, chr11:65,553,457, plus strand): 5'-GGAACGCCCCCTGAGCCCAAGCACTCACACTGCAGCTGGGGACACTTGTGGCACTTGCTC[T>C]GGCCCCAGGCAGTGCCGATGCTACCGCAGCAGTCTTCCTGCTTGGTGAGGCCGGGGAGGG-3'
Protein context (NP_001123616.1, residues 303-323): CCGSIGTAWG[Gln313Arg]SKCHKCPQLQ